The following is an entry in ClinVar:

NM_174878.3(CLRN1):c.128G>T (p.Gly43Val)

Gene: CLRN1 (clarin 1; minus strand). Cytogenetic location: 3q25.1.
Variant type: single nucleotide variant.
Coding change: c.128G>T on transcript NM_174878.3 (MANE Select); coding-DNA position 128, G replaced by T.
Protein change: p.Gly43Val; replaces glycine 43 with valine.
Molecular consequence: missense variant. On other transcripts: non-coding transcript variant (1).
Genome position (GRCh38, 1-based): chr3:150,972,581, C>A on the plus strand (G>T on the coding strand, the complement: CLRN1 is on the minus strand). VCF-style: chr3-150972581-C-A. GRCh37 (hg19) VCF-style: chr3-150690368-C-A.
Other names: c.128G>T, p.Gly43Val (NM_001195794.1, NM_001256819.2); short protein forms G43V.
Identifiers: ClinVar variation 802016 (VCV000802016.7), dbSNP rs933370216, ClinGen allele CA85947815.

ClinVar aggregate classification (germline): Pathogenic/Likely pathogenic. Review status: criteria provided, multiple submitters, no conflicts (2 of 4 stars). 2 submissions from 2 submitters: Pathogenic (1); Likely pathogenic (1). Last evaluated 2025-03-17.

Conditions:
Usher syndrome type 3. Also called: Usher Syndrome, Type III. Identifiers: Orphanet 231183, MedGen C1568248, MONDO:0016485.

Submissions (2):

Labcorp Genetics (formerly Invitae), Labcorp
Classification: Pathogenic. Last evaluated: 2025-03-17. Review status: criteria provided, single submitter. Criteria: Invitae Variant Classification Sherloc (09022015). Collection method: clinical testing. Allele origin: germline.
Comment: This sequence change replaces glycine, which is neutral and non-polar, with valine, which is neutral and non-polar, at codon 43 of the CLRN1 protein (p.Gly43Val). This variant is not present in population databases (gnomAD no frequency). This missense change has been observed in individual(s) with retinitis pigmentosa and/or Usher syndrome (internal data). In at least one individual the data is consistent with being in trans (on the opposite chromosome) from a pathogenic variant. ClinVar contains an entry for this variant (Variation ID: 802016). An algorithm developed to predict the effect of missense changes on protein structure and function (PolyPhen-2) suggests that this variant is likely to be disruptive. This variant disrupts the p.Gly43 amino acid residue in CLRN1. Other variant(s) that disrupt this residue have been determined to be pathogenic (internal data). This suggests that this residue is clinically significant, and that variants that disrupt this residue are likely to be disease-causing. For these reasons, this variant has been classified as Pathogenic.

Mendelics
Classification: Likely pathogenic for Usher syndrome type 3A. Last evaluated: 2019-05-28. Review status: criteria provided, single submitter. Criteria: Mendelics Assertion Criteria 2017. Collection method: clinical testing. Allele origin: unknown.